The following is an entry in ClinVar:

NM_006986.4(MAGED1):c.1035A>G (p.Pro345=)

Gene: MAGED1 (MAGE family member D1; plus strand). Cytogenetic location: Xp11.22.
Variant type: single nucleotide variant.
Coding change: c.1035A>G on transcript NM_006986.4 (MANE Select); coding-DNA position 1035, A replaced by G.
Protein change: p.Pro345=; no amino-acid change (proline 345 retained).
Molecular consequence: synonymous variant.
Genome position (GRCh38, 1-based): chrX:51,896,690, A>G. VCF-style: chrX-51896690-A-G. GRCh37 (hg19) VCF-style: chrX-51639786-A-G.
Other names: c.1035A>G, p.Pro345= (NM_001005332.2); c.1203A>G, p.Pro401= (NM_001005333.2).
Identifiers: ClinVar variation 2660575 (VCV002660575.24), dbSNP rs782011626, ClinGen allele CA10417563.

ClinVar aggregate classification (germline): Likely benign (1 of 4 stars; one submission).

Allele frequency attached by ClinVar (database versions not stated): ExAC 0.00001; gnomAD exomes 0.00001; TOPMed 0.00001.
gnomAD v4.1: 8 of 1,211,894 alleles (0.00066%); highest among the groups gnomAD compares: Middle Eastern, 0.14%; no homozygotes.

Submission:

CeGaT Center for Human Genetics Tuebingen
Classification: Likely benign. Last evaluated: 2022-10-01. Review status: criteria provided, single submitter. Criteria: CeGaT Center For Human Genetics Tuebingen Variant Classification Criteria Version 2. Collection method: clinical testing. Allele origin: germline. Affected: yes. Observed: 1 variant allele.
Comment: MAGED1: BP4, BP7